The following is an entry in ClinVar:

NM_006662.3(SRCAP):c.3334G>A (p.Ala1112Thr)

Gene: SRCAP (Snf2 related CREBBP activator protein; plus strand). Cytogenetic location: 16p11.2.
Variant type: single nucleotide variant.
Coding change: c.3334G>A on transcript NM_006662.3 (MANE Select); coding-DNA position 3334, G replaced by A.
Protein change: p.Ala1112Thr; replaces alanine 1112 with threonine.
Molecular consequence: missense variant.
Genome position (GRCh38, 1-based): chr16:30,721,269, G>A. VCF-style: chr16-30721269-G-A. GRCh37 (hg19) VCF-style: chr16-30732590-G-A.
Other names: short protein forms A1112T.
Identifiers: ClinVar variation 2995319 (VCV002995319.3), dbSNP rs751708747, ClinGen allele CA8011469.

ClinVar aggregate classification (germline): Uncertain significance (1 of 4 stars; one submission).

Allele frequency attached by ClinVar (database versions not stated): ExAC 0.00001.
gnomAD v4.1: 1 of 1,614,024 alleles (0.000062%); highest among the groups gnomAD compares: South Asian, 0.0011%; no homozygotes.

Submission:

Labcorp Genetics (formerly Invitae), Labcorp
Classification: Uncertain significance. Last evaluated: 2023-11-04. Review status: criteria provided, single submitter. Criteria: Invitae Variant Classification Sherloc (09022015). Collection method: clinical testing. Allele origin: germline.
Comment: This sequence change replaces alanine, which is neutral and non-polar, with threonine, which is neutral and polar, at codon 1112 of the SRCAP protein (p.Ala1112Thr). This variant is present in population databases (rs751708747, gnomAD 0.003%). This variant has not been reported in the literature in individuals affected with SRCAP-related conditions. Advanced modeling of protein sequence and biophysical properties (such as structural, functional, and spatial information, amino acid conservation, physicochemical variation, residue mobility, and thermodynamic stability) performed at Invitae indicates that this missense variant is not expected to disrupt SRCAP protein function with a negative predictive value of 80%. In summary, the available evidence is currently insufficient to determine the role of this variant in disease. Therefore, it has been classified as a Variant of Uncertain Significance.